The following is an entry in ClinVar:

ClinVar aggregate classification (germline): Pathogenic. Review status: criteria provided, multiple submitters, no conflicts (2 of 4 stars). 2 submissions from 2 submitters: Pathogenic (2). Last evaluated 2023-07-17.

Conditions:
Mitochondrial complex II deficiency, nuclear type 1. Also called: SUCCINATE CoQ REDUCTASE DEFICIENCY. Identifiers: Orphanet 3208, MedGen C5700310, MONDO:0100294, OMIM 252011.
Pheochromocytoma/paraganglioma syndrome 5. Also called: Paragangliomas 5; SDHA-Related Hereditary Paraganglioma-Pheochromocytoma Syndrome. Identifiers: Orphanet 29072, MedGen C3279992, MONDO:0013602, OMIM 614165.
Hereditary cancer-predisposing syndrome. Also called: Neoplastic Syndromes, Hereditary; Tumor predisposition; Hereditary Cancer Syndrome; Hereditary neoplastic syndrome. Identifiers: Orphanet 140162, MedGen C0027672, MeSH D009386, MONDO:0015356.

Submissions (2):

Labcorp Genetics (formerly Invitae), Labcorp
Classification: Pathogenic for Pheochromocytoma/paraganglioma syndrome 5; Mitochondrial complex II deficiency, nuclear type 1. Last evaluated: 2023-07-17. Review status: criteria provided, single submitter. Criteria: Invitae Variant Classification Sherloc (09022015). Collection method: clinical testing. Allele origin: germline.
Comment: For these reasons, this variant has been classified as Pathogenic. ClinVar contains an entry for this variant (Variation ID: 2486226). This variant has not been reported in the literature in individuals affected with SDHA-related conditions. This variant is not present in population databases (gnomAD no frequency). This sequence change creates a premature translational stop signal (p.Glu324*) in the SDHA gene. It is expected to result in an absent or disrupted protein product. Loss-of-function variants in SDHA are known to be pathogenic (PMID: 22974104, 24781757).

Ambry Genetics
Classification: Pathogenic for Hereditary cancer-predisposing syndrome. Last evaluated: 2022-11-17. Review status: criteria provided, single submitter. Criteria: Ambry Variant Classification Scheme 2023. Collection method: clinical testing. Allele origin: germline.
Comment: The p.E324* pathogenic mutation (also known as c.970G>T), located in coding exon 8 of the SDHA gene, results from a G to T substitution at nucleotide position 970. This changes the amino acid from a glutamic acid to a stop codon within coding exon 8. This alteration is expected to result in loss of function by premature protein truncation or nonsense-mediated mRNA decay. As such, this alteration is interpreted as a disease-causing mutation.

Literature cited by the submitters: PubMed 22974104 (cited by Labcorp Genetics (formerly Invitae), Labcorp); PubMed 24781757 (cited by Labcorp Genetics (formerly Invitae), Labcorp).

NM_004168.4(SDHA):c.970G>T (p.Glu324Ter)

Gene: SDHA (succinate dehydrogenase complex flavoprotein subunit A; plus strand). Cytogenetic location: 5p15.33.
Variant type: single nucleotide variant.
Coding change: c.970G>T on transcript NM_004168.4 (MANE Select); coding-DNA position 970, G replaced by T.
Protein change: p.Glu324Ter; replaces glutamic acid 324 with a stop codon.
Molecular consequence: nonsense.
Genome position (GRCh38, 1-based): chr5:233,551, G>T. VCF-style: chr5-233551-G-T. GRCh37 (hg19) VCF-style: chr5-233666-G-T.
Other names: c.826G>T, p.Glu276Ter (NM_001294332.2); c.970G>T, p.Glu324Ter (NM_001330758.2); short protein forms E324*, E276*.
Identifiers: ClinVar variation 2486226 (VCV002486226.5), dbSNP rs147014102, ClinGen allele CA359012725.
Genomic context (GRCh38, chr5:233,551, plus strand): 5'-GGTTGTCTCATTACGGAAGGATGTCGTGGAGAGGGAGGCATTCTCATTAACAGTCAAGGC[G>T]AAAGGTTTATGGAGCGATACGCCCCTGTCGCGAAGGACCTGGCGTCTAGAGATGTGGTGT-3'